The following is an entry in ClinVar:

ClinVar aggregate classification (germline): Uncertain significance (1 of 4 stars; one submission).

Conditions:
Hereditary cancer-predisposing syndrome. Also called: Hereditary Cancer Syndrome; Hereditary neoplastic syndrome; Neoplastic Syndromes, Hereditary; Tumor predisposition. Identifiers: Orphanet 140162, MedGen C0027672, MeSH D009386, MONDO:0015356.

gnomAD v4.1: 1 of 1,614,008 alleles (0.000062%); highest among the groups gnomAD compares: East Asian, 0.0022%; no homozygotes.

Submission:

Ambry Genetics
Classification: Uncertain significance for Hereditary cancer-predisposing syndrome. Last evaluated: 2026-07-06. Review status: criteria provided, single submitter. Criteria: Ambry Variant Classification Scheme 2023. Collection method: clinical testing. Allele origin: germline.
Comment: The p.I159M variant (also known as c.477C>G), located in coding exon 4 of the PRKAR1A gene, results from a C to G substitution at nucleotide position 477. The isoleucine at codon 159 is replaced by methionine, an amino acid with highly similar properties. This amino acid position is conserved. In addition, the in silico prediction for this alteration is inconclusive. Based on the available evidence, the clinical significance of this variant remains unclear.

NM_002734.5(PRKAR1A):c.477C>G (p.Ile159Met)

Gene: PRKAR1A (protein kinase cAMP-dependent type I regulatory subunit alpha; plus strand). Cytogenetic location: 17q24.2.
Variant type: single nucleotide variant.
Coding change: c.477C>G on transcript NM_002734.5 (MANE Select); coding-DNA position 477, C replaced by G.
Protein change: p.Ile159Met; replaces isoleucine 159 with methionine.
Molecular consequence: missense variant.
Genome position (GRCh38, 1-based): chr17:68,524,052, C>G. VCF-style: chr17-68524052-C-G. GRCh37 (hg19) VCF-style: chr17-66520193-C-G.
Other names: c.477C>G, p.Ile159Met (NM_001369389.1, NM_001369390.1, NM_212471.3 and 4 more transcripts); short protein forms I159M.
Identifiers: ClinVar variation 4674312 (VCV004674312.2).